The following is an entry in ClinVar:

ClinVar aggregate classification (germline): Uncertain significance (1 of 4 stars; one submission).

Conditions:
Inborn genetic diseases. Identifiers: MedGen C0950123, MeSH D030342.

Submission:

Ambry Genetics
Classification: Uncertain significance for Inborn genetic diseases. Last evaluated: 2020-03-23. Review status: criteria provided, single submitter. Criteria: Ambry Variant Classification Scheme 2023. Collection method: clinical testing. Allele origin: germline.
Comment: The c.1993-5G>C intronic variant results from a G to C substitution 5 nucleotides upstream from coding exon 14 in the AARS gene. This nucleotide position is well conserved in available vertebrate species. Using the BDGP and ESEfinder splice site prediction tools, this alteration is not predicted to have any significant effect on this splice acceptor site; however, direct evidence is unavailable. Since supporting evidence is limited at this time, the clinical significance of this alteration remains unclear.

NM_001605.3(AARS1):c.1993-5G>C

Gene: AARS1 (alanyl-tRNA synthetase 1; minus strand). Cytogenetic location: 16q22.1.
Variant type: single nucleotide variant.
Coding change: c.1993-5G>C on transcript NM_001605.3 (MANE Select); 5 bases into the intron before coding-DNA position 1993, G replaced by C.
Molecular consequence: intron variant.
Genome position (GRCh38, 1-based): chr16:70,258,222, C>G on the plus strand (G>C on the coding strand, the complement: AARS1 is on the minus strand). VCF-style: chr16-70258222-C-G. GRCh37 (hg19) VCF-style: chr16-70292125-C-G.
Identifiers: ClinVar variation 1800235 (VCV001800235.2), dbSNP rs2506996482, ClinGen allele CA2580091898.